The following is an entry in ClinVar:

NM_000751.3(CHRND):c.1088G>C (p.Arg363Pro)

Gene: CHRND (cholinergic receptor nicotinic delta subunit; plus strand). Cytogenetic location: 2q37.1.
Variant type: single nucleotide variant.
Coding change: c.1088G>C on transcript NM_000751.3 (MANE Select); coding-DNA position 1088, G replaced by C.
Protein change: p.Arg363Pro; replaces arginine 363 with proline.
Molecular consequence: missense variant.
Genome position (GRCh38, 1-based): chr2:232,533,971, G>C. VCF-style: chr2-232533971-G-C. GRCh37 (hg19) VCF-style: chr2-233398681-G-C.
Other names: c.1043G>C, p.Arg348Pro (NM_001256657.2); c.506G>C, p.Arg169Pro (NM_001311195.2); c.785G>C, p.Arg262Pro (NM_001311196.2); short protein forms R169P, R348P, R262P, R363P.
Identifiers: ClinVar variation 3003364 (VCV003003364.4), dbSNP rs748108743, ClinGen allele CA351004950.

ClinVar aggregate classification (germline): Uncertain significance. Review status: criteria provided, multiple submitters, no conflicts (2 of 4 stars). 2 submissions from 2 submitters: Uncertain significance (2). Last evaluated 2026-01-06.

Conditions:
Lethal multiple pterygium syndrome (LMPS). Identifiers: Orphanet 33108, MedGen C1854678, MONDO:0009668, OMIM 253290.

gnomAD v4.1: 11 of 1,613,544 alleles (0.00068%); highest among the groups gnomAD compares: South Asian, 0.011%; no homozygotes.

Submissions (2):

Labcorp Genetics (formerly Invitae), Labcorp
Classification: Uncertain significance for Lethal multiple pterygium syndrome. Last evaluated: 2026-01-06. Review status: criteria provided, single submitter. Criteria: Invitae Variant Classification Sherloc (09022015). Collection method: clinical testing. Allele origin: germline.
Comment: This sequence change replaces arginine, which is basic and polar, with proline, which is neutral and non-polar, at codon 363 of the CHRND protein (p.Arg363Pro). This variant is present in population databases (no rsID available, gnomAD 0.003%). This variant has not been reported in the literature in individuals affected with CHRND-related conditions. ClinVar contains an entry for this variant (Variation ID: 3003364). Invitae Evidence Modeling of protein sequence and biophysical properties (such as structural, functional, and spatial information, amino acid conservation, physicochemical variation, residue mobility, and thermodynamic stability) indicates that this missense variant is not expected to disrupt CHRND protein function with a negative predictive value of 95%. In summary, the available evidence is currently insufficient to determine the role of this variant in disease. Therefore, it has been classified as a Variant of Uncertain Significance.

Blueprint Genetics
Classification: Uncertain significance. Last evaluated: 2022-01-21. Review status: criteria provided, single submitter. Criteria: ACMG Guidelines, 2015. Collection method: clinical testing. Allele origin: germline.